The following is an entry in ClinVar:

NM_004850.5(ROCK2):c.3688-5C>T

Gene: ROCK2 (Rho associated coiled-coil containing protein kinase 2; minus strand). Cytogenetic location: 2p25.1.
Variant type: single nucleotide variant.
Coding change: c.3688-5C>T on transcript NM_004850.5 (MANE Select); 5 bases into the intron before coding-DNA position 3688, C replaced by T.
Molecular consequence: intron variant.
Genome position (GRCh38, 1-based): chr2:11,192,717, G>A on the plus strand (C>T on the coding strand, the complement: ROCK2 is on the minus strand). VCF-style: chr2-11192717-G-A. GRCh37 (hg19) VCF-style: chr2-11332843-G-A.
Other names: c.3430-5C>T (NM_001321643.2).
Identifiers: ClinVar variation 3356908 (VCV003356908.1).
Genomic context (GRCh38, chr2:11,192,717, plus strand): 5'-GGCTCCACTGGAAATTCTTGTTCCTTCTTACTTTCTCCTTCATTGGCATACAGAATCTAT[G>A]AATGCCAAAAGAACAATAAGTGATTTCCAAACATGCTATTTTTTTATGTAGGAACAATTC-3'

ClinVar aggregate classification (germline): Likely benign (0 of 4 stars; one submission).

Conditions:
ROCK2-related disorder. Also called: ROCK2-related condition.

Submission:

PreventionGenetics, part of Exact Sciences
Classification: Likely benign for ROCK2-related condition. Last evaluated: 2024-06-18. Review status: no assertion criteria provided. Collection method: clinical testing. Allele origin: germline.
Comment: This variant is classified as likely benign based on ACMG/AMP sequence variant interpretation guidelines (Richards et al. 2015 PMID: 25741868, with internal and published modifications).